The following is an entry in ClinVar:

ClinVar aggregate classification (germline): Uncertain significance (1 of 4 stars; one submission).

Submission:

Labcorp Genetics (formerly Invitae), Labcorp
Classification: Uncertain significance. Last evaluated: 2022-12-05. Review status: criteria provided, single submitter. Criteria: Invitae Variant Classification Sherloc (09022015). Collection method: clinical testing. Allele origin: germline.
Comment: Algorithms developed to predict the effect of missense changes on protein structure and function output the following: SIFT: "Tolerated"; PolyPhen-2: "Benign"; Align-GVGD: "Class C0". The valine amino acid residue is found in multiple mammalian species, which suggests that this missense change does not adversely affect protein function. This variant has not been reported in the literature in individuals affected with SUCO-related conditions. This variant is not present in population databases (gnomAD no frequency). This sequence change replaces isoleucine, which is neutral and non-polar, with valine, which is neutral and non-polar, at codon 806 of the SUCO protein (p.Ile806Val). In summary, the available evidence is currently insufficient to determine the role of this variant in disease. Therefore, it has been classified as a Variant of Uncertain Significance.

NM_014283.5(SUCO):c.2416A>G (p.Ile806Val)

Gene: SUCO (SUN domain containing ossification factor; plus strand). Cytogenetic location: 1q24.3.
Variant type: single nucleotide variant.
Coding change: c.2416A>G on transcript NM_014283.5 (MANE Select); coding-DNA position 2416, A replaced by G.
Protein change: p.Ile806Val; replaces isoleucine 806 with valine.
Molecular consequence: missense variant. On other transcripts: intron variant (1).
Genome position (GRCh38, 1-based): chr1:172,589,517, A>G. VCF-style: chr1-172589517-A-G. GRCh37 (hg19) VCF-style: chr1-172558657-A-G.
Other names: c.727A>G, p.Ile243Val (NM_001282751.2); c.2869A>G, p.Ile957Val (NM_016227.4); c.1712+593A>G (NM_001282750.2); short protein forms I243V, I806V, I957V.
Identifiers: ClinVar variation 2026468 (VCV002026468.4), dbSNP rs2527423875, ClinGen allele CA343744080.